The following is an entry in ClinVar:

ClinVar aggregate classification (germline): Uncertain significance (1 of 4 stars; one submission).

Conditions:
Loeys-Dietz syndrome 2 (LDS2). Also called: TGFBR2-Related Loeys-Dietz Syndrome; AORTIC ANEURYSM, FAMILIAL THORACIC 3; MARFAN SYNDROME, TYPE II; Marfan syndrome, type 2 (formerly); Marfan Syndrome type 2; Marfan like connective tissue disorder. Identifiers: Orphanet 284973, Orphanet 558, MedGen C2674574, MONDO:0012427, OMIM 610168.

gnomAD v4.1: 1 of 1,613,904 alleles (0.000062%); highest among the groups gnomAD compares: Non-Finnish European, 0.000085%; no homozygotes.

Submission:

All of Us Research Program, National Institutes of Health
Classification: Uncertain significance for Loeys-Dietz syndrome 2. Last evaluated: 2024-03-24. Review status: criteria provided, single submitter. Criteria: ACMG Guidelines, 2015. Collection method: clinical testing. Allele origin: germline. Inheritance: Autosomal dominant inheritance. Observed: 1 variant allele, 1 heterozygote.
Comment: This missense variant replaces isoleucine with valine at codon 148 of the TGFBR2 protein. Computational prediction suggests that this variant may not impact protein structure and function. To our knowledge, functional studies have not been reported for this variant. This variant has not been reported in individuals affected with TGFBR2-related disorders in the literature. This variant has not been identified in the general population by the Genome Aggregation Database (gnomAD). The available evidence is insufficient to determine the role of this variant in disease conclusively. Therefore, this variant is classified as a Variant of Uncertain Significance.

This study involves interpretation of variants in research participants for the purpose of population health screening. Participant phenotype was not available at the time of variant classification. Additional details can be found in publication PMID: 35346344, PMCID: PMC8962531

NM_003242.6(TGFBR2):c.442A>G (p.Ile148Val)

Gene: TGFBR2 (transforming growth factor beta receptor 2; plus strand). Cytogenetic location: 3p24.1.
Variant type: single nucleotide variant.
Coding change: c.442A>G on transcript NM_003242.6 (MANE Select); coding-DNA position 442, A replaced by G.
Protein change: p.Ile148Val; replaces isoleucine 148 with valine.
Molecular consequence: missense variant. On other transcripts: intron variant (2).
Genome position (GRCh38, 1-based): chr3:30,650,448, A>G. VCF-style: chr3-30650448-A-G. GRCh37 (hg19) VCF-style: chr3-30691940-A-G.
Other names: c.469A>G, p.Ile157Val (NM_001407128.1); c.337A>G, p.Ile113Val (NM_001407129.1, NM_001407132.1, NM_001407133.1 and 3 more transcripts); c.442A>G, p.Ile148Val (NM_001407130.1, NM_001407127.1); c.517A>G, p.Ile173Val (NM_001407139.1, NM_001024847.3, NM_001407126.1); c.170-21190A>G (NM_001407137.1); c.95-21190A>G (NM_001407138.1); short protein forms I113V, I148V, I157V, I173V.
Identifiers: ClinVar variation 3386062 (VCV003386062.1).